The following is an entry in ClinVar:

ClinVar aggregate classification (germline): Pathogenic (0 of 4 stars; one submission).

Conditions:
Fanconi anemia complementation group A (FANCA). Also called: Fanconi anemia, group A; FANCA-Related Fanconi Anemia. Identifiers: Orphanet 84, MedGen C3469521, MONDO:0009215, OMIM 227650.

Submission:

Leiden Open Variation Database
Classification: Pathogenic for Fanconi anemia complementation group A. Last evaluated: 2020-02-28. Review status: no assertion criteria provided. Collection method: curation. Allele origin: germline. Affected: yes.
Comment: Curator: Arleen D. Auerbach. Submitter to LOVD: Arleen D. Auerbach.

NC_000016.10:g.(89748768_89749729)_(89758706_89761948)del

Gene: FANCA (FA complementation group A; minus strand). Cytogenetic location: 16q24.3.
Variant type: Deletion.
Identifiers: ClinVar variation 974048 (VCV000974048.1).